The following is an entry in ClinVar:

ClinVar aggregate classification (germline): Pathogenic (1 of 4 stars; one submission).

Conditions:
Mowat-Wilson syndrome (MOWS). Also called: Classic Mowat-Wilson Syndrome. Identifiers: Orphanet 2152, MedGen C1856113, MONDO:0009341, OMIM 235730.

Submission:

Medical Genetics Unit, Azienda USL-IRCCS di Reggio Emilia
Classification: Pathogenic for Mowat-Wilson syndrome. Last evaluated: 2023-10-20. Review status: criteria provided, single submitter. Criteria: ACMG Guidelines, 2015. Collection method: clinical testing. Allele origin: de novo. Affected: yes. Observed: 1 variant allele.
Comment: Heterozygous variant associated with Mowat-Wilson syndrome in at least 1 individual. ACMG/AMP criteria PVS1, PS2, PM2, PP4

Literature cited by the submitters: PubMed 29300384.

NM_014795.4(ZEB2):c.477_484del (p.His159fs)

Gene: ZEB2 (zinc finger E-box binding homeobox 2; minus strand). Cytogenetic location: 2q22.3.
Variant type: Deletion.
Coding change: c.477_484del on transcript NM_014795.4 (MANE Select); coding-DNA positions 477 to 484, 8 bases deleted (TGCAGTCA; older notation c.477_484delTGCAGTCA).
Protein change: p.His159fs; shifts the reading frame from histidine 159.
Molecular consequence: frameshift variant.
Genome position (GRCh38, 1-based): chr2:144,404,944-144,404,951, TGACTGCA deleted on the plus strand (TGCAGTCA on the coding strand, the reverse complement: ZEB2 is on the minus strand); deleting any 8 consecutive bases within chr2:144,404,944-144,404,955 gives the same sequence; the c. name uses the placement nearest the transcript's 3' end. VCF-style (leftmost placement, unchanged base first): chr2-144404943-CTGACTGCA-C. GRCh37 (hg19) VCF-style: chr2-145162510-CTGACTGCA-C.
Other names: c.405_412del, p.His135fs (NM_001171653.2); short protein forms H135fs, H159fs.
Identifiers: ClinVar variation 2687509 (VCV002687509.2), dbSNP rs2549110000, ClinGen allele CA2586965049.